The following is an entry in ClinVar:

ClinVar aggregate classification (germline): Uncertain significance (1 of 4 stars; one submission).

Allele frequency attached by ClinVar (database versions not stated): gnomAD exomes below 0.00001.
gnomAD v4.1: 1 of 1,613,580 alleles (0.000062%); highest among the groups gnomAD compares: Non-Finnish European, 0.000085%; no homozygotes.

Submission:

Ambry Genetics
Classification: Uncertain significance. Last evaluated: 2023-04-13. Review status: criteria provided, single submitter. Criteria: Ambry Variant Classification Scheme 2023. Collection method: clinical testing. Allele origin: germline.
Comment: The p.I28T variant (also known as c.83T>C), located in coding exon 2 of the NPAT gene, results from a T to C substitution at nucleotide position 83. The isoleucine at codon 28 is replaced by threonine, an amino acid with similar properties. This amino acid position is conserved. In addition, the in silico prediction for this alteration is inconclusive. Since supporting evidence is limited at this time, the clinical significance of this alteration remains unclear.

NM_002519.3(NPAT):c.83T>C (p.Ile28Thr)

Gene: NPAT (nuclear protein, coactivator of histone transcription; minus strand). Cytogenetic location: 11q22.3.
Variant type: single nucleotide variant.
Coding change: c.83T>C on transcript NM_002519.3 (MANE Select); coding-DNA position 83, T replaced by C.
Protein change: p.Ile28Thr; replaces isoleucine 28 with threonine.
Molecular consequence: missense variant.
Genome position (GRCh38, 1-based): chr11:108,197,375, A>G on the plus strand (T>C on the coding strand, the complement: NPAT is on the minus strand). VCF-style: chr11-108197375-A-G. GRCh37 (hg19) VCF-style: chr11-108068102-A-G.
Other names: c.83T>C, p.Ile28Thr (NM_001321307.1); short protein forms I28T.
Identifiers: ClinVar variation 2562541 (VCV002562541.2), dbSNP rs2496760188, ClinGen allele CA382528463.
Genomic context (GRCh38, chr11:108,197,375, plus strand): 5'-GGAATAAACCCTTCATCTGTACAATGTTCTGCATATTCTTTTAAATCTGAACTTTCCAAA[A>G]TAAAAGTCTGGCAGGTAGAAATGAGGTTTTCTTGCTGTAAGTAACCTAAATAAAAAATAA-3'
Protein context (NP_002510.2, residues 18-38): ENLISTCQTF[Ile28Thr]LESSDLKEYA